The following is an entry in ClinVar:

NM_017882.3(CLN6):c.298-168C>T

Gene: CLN6 (CLN6 transmembrane ER protein; minus strand). Cytogenetic location: 15q23.
Variant type: single nucleotide variant.
Coding change: c.298-168C>T on transcript NM_017882.3 (MANE Select); 168 bases into the intron before coding-DNA position 298, C replaced by T.
Molecular consequence: intron variant.
Genome position (GRCh38, 1-based): chr15:68,212,031, G>A on the plus strand (C>T on the coding strand, the complement: CLN6 is on the minus strand). VCF-style: chr15-68212031-G-A. GRCh37 (hg19) VCF-style: chr15-68504369-G-A.
Identifiers: ClinVar variation 677645 (VCV000677645.1), dbSNP rs56883694, ClinGen allele CA272384804.
Genomic context (GRCh38, chr15:68,212,031, plus strand): 5'-ATGTCACTCCAAAAAGTGGCTGGTCCCTTTAGCAGGCCAGCCCAGCCTCCAGATCCTCCC[G>A]TGACCCCTATGAACCCCGGAGGGAATGTGGAGCAGCACCCCCCGCTGACTTTACCCAGGG-3'

ClinVar aggregate classification (germline): Likely benign (1 of 4 stars; one submission).

Allele frequency attached by ClinVar (database versions not stated): gnomAD exomes 0.00175; 1000 Genomes Project 0.01198; gnomAD 0.01241 and 0.01346; 1000 Genomes Project 30x 0.01280; TOPMed 0.01444.
gnomAD v4.1: 2,851 of 667,146 alleles (0.43%); highest among the groups gnomAD compares: African/African-American, 4.1%; 50 homozygotes.

Submission:

GeneDx
Classification: Likely benign. Last evaluated: 2018-06-18. Review status: criteria provided, single submitter. Criteria: GeneDx Variant Classification (06012015). Collection method: clinical testing. Allele origin: germline. Affected: yes.
Comment: This variant is considered likely benign or benign based on one or more of the following criteria: it is a conservative change, it occurs at a poorly conserved position in the protein, it is predicted to be benign by multiple in silico algorithms, and/or has population frequency not consistent with disease.